The following is an entry in ClinVar:

NM_001204.7(BMPR2):c.418+5G>A

Gene: BMPR2 (bone morphogenetic protein receptor type 2; plus strand). Cytogenetic location: 2q33.1.
Variant type: single nucleotide variant.
Coding change: c.418+5G>A on transcript NM_001204.7 (MANE Select); 5 bases into the intron after coding-DNA position 418, G replaced by A.
Molecular consequence: intron variant.
Genome position (GRCh38, 1-based): chr2:202,467,694, G>A. VCF-style: chr2-202467694-G-A. GRCh37 (hg19) VCF-style: chr2-203332417-G-A.
Other names: c.418+5G>A (LRG_712t1).
Identifiers: ClinVar variation 425781 (VCV000425781.3), dbSNP rs1085307229, ClinGen allele CA645294022.

ClinVar aggregate classification (germline): Pathogenic. Review status: reviewed by expert panel (3 of 4 stars). 3 submissions from 3 submitters: Pathogenic (1). 2 of the submissions do not count toward it. Last evaluated 2026-04-10.

Conditions:
Pulmonary hypertension, primary, 1 (PPH1). Also called: Pulmonary hypertension, familial primary, 1, with or without HHT. Identifiers: Orphanet 422, MedGen C4552070, MONDO:0024533, OMIM 178600.
Pulmonary arterial hypertension. Identifiers: Orphanet 182090, MedGen C2973725, MeSH D000081029, MONDO:0015924, HP:0002092.

Submissions (3):

Clingen Pulmonary Hypertension Variant Curation Expert Panel, ClinGen
Classification: Pathogenic for Pulmonary arterial hypertension. Last evaluated: 2026-04-10. Review status: reviewed by expert panel. Criteria: ClinGen PH ACMG Specifications BMPR2 V2.0.0. Collection method: curation. Allele origin: germline. Inheritance: Autosomal dominant inheritance.
Comment: The BMPR2 c.418+5G>A variant is a non-canonical splice site (+5) variant located in intron 3. In silico prediction indicated likely splice site donor loss (SpliceAI = 0.59) and cDNA analysis demonstrated an inframe deletion, p.Cys84_Ser140del, with loss of 47/99 amino acid residues of the conserved extracellular domain (PMID: 19555857 and 26387786) (PVS1 (RNA)). The variant occurs in the same splice region, and has the same molecular consequence, as an alternate variant classified as pathogenic by the PH VCEP (c.418+3A>T) (PS1). No familial segregation data were available. In summary, the variant meets the criteria to be classified as pathogenic for pulmonary arterial hypertension based on the ACMG/AMP criteria applied, as specified by the ClinGen Pulmonary Hypertension VCEP: PVS1(RNA), PS1, PS4, PM2_supporting (VCEP specification version 2.0, 1/30/2026).

NIHR Bioresource Rare Diseases, University of Cambridge
Classification: Likely pathogenic for Pulmonary arterial hypertension. Review status: no assertion criteria provided. Collection method: research. Allele origin: unknown. Affected: yes. Observed: 1 variant allele. Not counted in ClinVar's aggregate classification.

Rare Disease Genomics Group, St George's University of London
Classification: Pathogenic for Primary pulmonary hypertension. Review status: no assertion criteria provided. Collection method: literature only. Allele origin: germline. Affected: yes. Not counted in ClinVar's aggregate classification.

Literature cited by the submitters: PubMed 32581362 (cited by NIHR Bioresource Rare Diseases, University of Cambridge); PubMed 19555857 (cited by Rare Disease Genomics Group, St George's University of London); PubMed 21801371 (cited by Rare Disease Genomics Group, St George's University of London).